The following is an entry in ClinVar:

NM_004727.3(SLC24A1):c.2212_2214del (p.Lys738del)

Gene: SLC24A1 (solute carrier family 24 member 1; plus strand). Cytogenetic location: 15q22.31.
Variant type: Deletion.
Coding change: c.2212_2214del on transcript NM_004727.3 (MANE Select); coding-DNA positions 2212 to 2214, 3 bases deleted (AAG; older notation c.2212_2214delAAG).
Protein change: p.Lys738del; deletes lysine 738.
Molecular consequence: inframe deletion.
Genome position (GRCh38, 1-based): chr15:65,645,683-65,645,685, AAG deleted; deleting any 3 consecutive bases within chr15:65,645,681-65,645,685 gives the same sequence; the c. name uses the placement nearest the transcript's 3' end. VCF-style (leftmost placement, unchanged base first): chr15-65645680-CAGA-C. GRCh37 (hg19) VCF-style: chr15-65938018-CAGA-C.
Other names: c.193_195del, p.Lys65del (NM_001254740.2); c.2212_2214del, p.Lys738del (NM_001301031.1); c.2158_2160del, p.Lys720del (NM_001301032.1, NM_001301033.2); short protein forms K738del, K720del, K65del.
Identifiers: ClinVar variation 942704 (VCV000942704.9), dbSNP rs2075279294, ClinGen allele CA1139664027.

ClinVar aggregate classification (germline): Uncertain significance (1 of 4 stars; one submission).

Submission:

Labcorp Genetics (formerly Invitae), Labcorp
Classification: Uncertain significance. Last evaluated: 2022-10-04. Review status: criteria provided, single submitter. Criteria: Invitae Variant Classification Sherloc (09022015). Collection method: clinical testing. Allele origin: germline.
Comment: This variant is not present in population databases (gnomAD no frequency). In summary, the available evidence is currently insufficient to determine the role of this variant in disease. Therefore, it has been classified as a Variant of Uncertain Significance. Algorithms developed to predict the effect of sequence changes on RNA splicing suggest that this variant may disrupt the consensus splice site. Experimental studies and prediction algorithms are not available or were not evaluated, and the functional significance of this variant is currently unknown. ClinVar contains an entry for this variant (Variation ID: 942704). This variant has not been reported in the literature in individuals affected with SLC24A1-related conditions. This variant, c.2212_2214del, results in the deletion of 1 amino acid(s) of the SLC24A1 protein (p.Lys738del), but otherwise preserves the integrity of the reading frame.